The following is an entry in ClinVar:

ClinVar aggregate classification (germline): Uncertain significance. Review status: criteria provided, multiple submitters, no conflicts (2 of 4 stars). 2 submissions from 2 submitters: Uncertain significance (2). Last evaluated 2022-05-15.

Conditions:
Autosomal recessive limb-girdle muscular dystrophy type 2O. Also called: Limb-Girdle Muscular Dystrophy Type 3C; MUSCULAR DYSTROPHY-DYSTROGLYCANOPATHY (LIMB-GIRDLE), TYPE C, 3; MUSCULAR DYSTROPHY-DYSTROGLYCANOPATHY, LIMB-GIRDLE, POMGNT1-RELATED. Identifiers: Orphanet 206564, MedGen C3150417, MONDO:0013161, OMIM 613157.
Muscular dystrophy-dystroglycanopathy (congenital with impaired intellectual development), type B, 3. Also called: MUSCULAR DYSTROPHY, CONGENITAL, POMGNT1-RELATED; Muscular dystrophy-dystroglycanopathy (congenital with intellectual disability), type B3. Identifiers: MedGen C3150412, MONDO:0013155, OMIM 613151.

Allele frequency attached by ClinVar (database versions not stated): gnomAD exomes below 0.00001.
gnomAD v4.1: 1 of 1,614,126 alleles (0.000062%); highest among the groups gnomAD compares: Admixed American, 0.0017%; no homozygotes.

Submissions (2):

Labcorp Genetics (formerly Invitae), Labcorp
Classification: Uncertain significance for Autosomal recessive limb-girdle muscular dystrophy type 2O; Muscular dystrophy-dystroglycanopathy (congenital with impaired intellectual development), type B, 3. Last evaluated: 2022-05-15. Review status: criteria provided, single submitter. Criteria: Invitae Variant Classification Sherloc (09022015). Collection method: clinical testing. Allele origin: germline.
Comment: In summary, the available evidence is currently insufficient to determine the role of this variant in disease. Therefore, it has been classified as a Variant of Uncertain Significance. Advanced modeling of protein sequence and biophysical properties (such as structural, functional, and spatial information, amino acid conservation, physicochemical variation, residue mobility, and thermodynamic stability) performed at Invitae indicates that this missense variant is not expected to disrupt POMGNT1 protein function. This variant has not been reported in the literature in individuals affected with POMGNT1-related conditions. This variant is not present in population databases (gnomAD no frequency). This sequence change replaces cysteine, which is neutral and slightly polar, with arginine, which is basic and polar, at codon 39 of the POMGNT1 protein (p.Cys39Arg).

Revvity Omics, Revvity
Classification: Uncertain significance. Last evaluated: 2019-05-10. Review status: criteria provided, single submitter. Criteria: ACMG Guidelines, 2015. Collection method: clinical testing. Allele origin: germline.

NM_017739.4(POMGNT1):c.115T>C (p.Cys39Arg)

Gene: POMGNT1 (protein O-linked mannose N-acetylglucosaminyltransferase 1 (beta 1,2-); minus strand). Cytogenetic location: 1p34.1.
Variant type: single nucleotide variant.
Coding change: c.115T>C on transcript NM_017739.4 (MANE Select); coding-DNA position 115, T replaced by C.
Protein change: p.Cys39Arg; replaces cysteine 39 with arginine.
Molecular consequence: missense variant.
Genome position (GRCh38, 1-based): chr1:46,197,707, A>G on the plus strand (T>C on the coding strand, the complement: POMGNT1 is on the minus strand). VCF-style: chr1-46197707-A-G. GRCh37 (hg19) VCF-style: chr1-46663379-A-G.
Other names: c.115T>C (NM_017739.3); c.115T>C, p.Cys39Arg (NM_001243766.2, NM_001410783.1); short protein forms C39R.
Identifiers: ClinVar variation 1984273 (VCV001984273.6), dbSNP rs2525475445, ClinGen allele CA340192584.